The following is an entry in ClinVar:

NR_003051.3(RMRP):n.-16_-2dup

Gene: RMRP (RNA component of mitochondrial RNA processing endoribonuclease; minus strand). Cytogenetic location: 9p13.3.
Variant type: Duplication.
Genome position: GRCh38 VCF-style: chr9-35658019-A-ACGTCCTCAGCTTCAC. GRCh37 (hg19) VCF-style: chr9-35658016-A-ACGTCCTCAGCTTCAC.
Identifiers: ClinVar variation 1397735 (VCV001397735.6), dbSNP rs937585109, ClinGen allele CA192745744.
Genomic context (GRCh38, chr9:35,658,019, plus strand): 5'-GAAAGGGGAGGAACAGAGTCCTCAGTGTGTAGCCTAGGATACAGGCCTTCAGCACGAACC[A>ACGTCCTCAGCTTCAC]CGTCCTCAGCTTCACAGAGTAGTATTTTATAGCCCTAAAGAAATTGTGTTTTATGATTAG-3'

ClinVar aggregate classification (germline): Pathogenic/Likely pathogenic. Review status: criteria provided, multiple submitters, no conflicts (2 of 4 stars). 2 submissions from 2 submitters: Pathogenic (1); Likely pathogenic (1). Last evaluated 2025-06-06.

Conditions:
Metaphyseal chondrodysplasia, McKusick type (CHH). Also called: Cartilage-Hair Hypoplasia (CHH); Cartilage-hair hypoplasia. Identifiers: Orphanet 175, MedGen C0220748, MONDO:0009595, OMIM 250250.
Anauxetic dysplasia. Identifiers: Orphanet 93347, MedGen C1846796, MONDO:0011773.

Allele frequency attached by ClinVar (database versions not stated): gnomAD exomes below 0.00001; TOPMed below 0.00001; gnomAD 0.00001.

Submissions (2):

Labcorp Genetics (formerly Invitae), Labcorp
Classification: Pathogenic for Anauxetic dysplasia. Last evaluated: 2025-06-06. Review status: criteria provided, single submitter. Criteria: Invitae Variant Classification Sherloc (09022015). Collection method: clinical testing. Allele origin: germline.
Comment: This variant occurs in the RMRP gene, which encodes an RNA molecule that does not result in a protein product. This variant is not present in population databases (gnomAD no frequency). While this particular variant has not been reported in the literature, it is located in the promoter region between the TATA box and the transcription initiation site, and other insertions and duplications immediately upstream of the coding sequence have been reported in individuals affected with cartilage-hair hypoplasia-anauxetic dysplasia (CHH-AD) spectrum disorders (PMID: 16244706, 11207361, 12107819). While functional studies for this variant have not been reported, experimental analyses using patient derived cells, as well as in vitro transfection studies, have shown that promoter insertions result in silencing of RMRP transcription and reduced expression of the gene product (PMID: 11207361, 16254002). For these reasons, this variant has been classified as Pathogenic.

Natera, Inc.
Classification: Likely pathogenic for Cartilage-hair hypoplasia. Last evaluated: 2024-12-12. Review status: criteria provided, single submitter. Criteria: Natera Variant Classification Schema (03/2026). Collection method: clinical testing. Allele origin: germline.
Comment: The n.-16_-2dup variant in RMRP is a duplication affecting the RMRP promoter region between the TATA box and the transcription initiation site. Other duplications and insertions just upstream of the transcription initiation site have been reported in individuals affected with cartilage-hair hypoplasia (PMID: 11207361, 17937437). This variant is rare in the general population with a frequency below the threshold expected for the associated phenotype(s). Given the available evidence, this variant is classified as Likely pathogenic.

Literature cited by the submitters: PubMed 16244706 (cited by Labcorp Genetics (formerly Invitae), Labcorp); PubMed 11207361 (cited by Labcorp Genetics (formerly Invitae), Labcorp and Natera, Inc.); PubMed 12107819 (cited by Labcorp Genetics (formerly Invitae), Labcorp); PubMed 16254002 (cited by Labcorp Genetics (formerly Invitae), Labcorp); PubMed 17937437 (cited by Natera, Inc.).